The following is an entry in ClinVar:

ClinVar aggregate classification (germline): Likely benign. Review status: criteria provided, multiple submitters, no conflicts (2 of 4 stars). 3 submissions from 3 submitters: Likely benign (3). Last evaluated 2025-08-01.

Conditions:
Inborn genetic diseases. Identifiers: MedGen C0950123, MeSH D030342.
Brachyolmia-amelogenesis imperfecta syndrome. Also called: Tooth agenesis, selective, 6; Dental anomalies and short stature; PLATYSPONDYLY WITH AMELOGENESIS IMPERFECTA. Identifiers: Orphanet 2899, MedGen C1832594, MONDO:0011018, OMIM 601216. Disease mechanism: loss of function.

Allele frequency attached by ClinVar (database versions not stated): gnomAD exomes below 0.00001; gnomAD 0.00001.
gnomAD v4.1: 3 of 1,522,682 alleles (0.0002%); highest among the groups gnomAD compares: African/African-American, 0.0028%; no homozygotes.

Submissions (3):

CeGaT Center for Human Genetics Tuebingen
Classification: Likely benign. Last evaluated: 2025-08-01. Review status: criteria provided, single submitter. Criteria: CeGaT Center For Human Genetics Tuebingen Variant Classification Criteria Version 2. Collection method: clinical testing. Allele origin: germline. Affected: yes. Observed: 1 variant allele.
Comment: LTBP3: BP4, BP7

Labcorp Genetics (formerly Invitae), Labcorp
Classification: Likely benign for Brachyolmia-amelogenesis imperfecta syndrome. Last evaluated: 2025-01-23. Review status: criteria provided, single submitter. Criteria: Invitae Variant Classification Sherloc (09022015). Collection method: clinical testing. Allele origin: germline.

Ambry Genetics
Classification: Likely benign for Inborn genetic diseases. Last evaluated: 2021-01-20. Review status: criteria provided, single submitter. Criteria: Ambry Variant Classification Scheme 2023. Collection method: clinical testing. Allele origin: germline.

NM_001130144.3(LTBP3):c.3747C>T (p.Arg1249=)

Gene: LTBP3 (latent transforming growth factor beta binding protein 3; minus strand). Cytogenetic location: 11q13.1.
Variant type: single nucleotide variant.
Coding change: c.3747C>T on transcript NM_001130144.3 (MANE Select); coding-DNA position 3747, C replaced by T.
Protein change: p.Arg1249=; no amino-acid change (arginine 1249 retained).
Molecular consequence: synonymous variant.
Genome position (GRCh38, 1-based): chr11:65,539,341, G>A on the plus strand (C>T on the coding strand, the complement: LTBP3 is on the minus strand). VCF-style: chr11-65539341-G-A. GRCh37 (hg19) VCF-style: chr11-65306812-G-A.
Other names: c.3255C>T, p.Arg1085= (NM_001164266.1); c.3606C>T, p.Arg1202= (NM_021070.4).
Identifiers: ClinVar variation 1734515 (VCV001734515.12), dbSNP rs1437559480, ClinGen allele CA381266139.
Genomic context (GRCh38, chr11:65,539,341, plus strand): 5'-CTCACCACCGGCCCCGCCCCTGCCCCCACCCCCGAAGCCCGGCTCACCCACGCAGCGGGC[G>A]CGGGAGGCGTCGAGCTGGAAGCCGCCGGGACACTCGCACACGGCGCCGCCCGGCCGCGGC-3'
Protein context (NP_001123616.1, residues 1239-1259): CPGGFQLDAS[Arg1249=]ARCVDIDECR